The following is an entry in ClinVar:

NM_001113378.2(FANCI):c.1758G>C (p.Glu586Asp)

Gene: FANCI (FA complementation group I; plus strand). Cytogenetic location: 15q26.1.
Variant type: single nucleotide variant.
Coding change: c.1758G>C on transcript NM_001113378.2 (MANE Select); coding-DNA position 1758, G replaced by C.
Protein change: p.Glu586Asp; replaces glutamic acid 586 with aspartic acid.
Molecular consequence: missense variant.
Genome position (GRCh38, 1-based): chr15:89,285,155, G>C. VCF-style: chr15-89285155-G-C. GRCh37 (hg19) VCF-style: chr15-89828386-G-C.
Other names: c.1479G>C, p.Glu493Asp (NM_001376910.1); c.1758G>C, p.Glu586Asp (NM_001376911.1, NM_018193.3); short protein forms E493D, E586D.
Identifiers: ClinVar variation 3665758 (VCV003665758.1).

ClinVar aggregate classification (germline): Uncertain significance (1 of 4 stars; one submission).

Conditions:
Fanconi anemia (FA). Also called: Fanconi's anemia. Identifiers: Orphanet 84, MedGen C0015625, MeSH D005199, MONDO:0019391.

gnomAD v4.1: 5 of 1,614,184 alleles (0.00031%); highest among the groups gnomAD compares: Admixed American, 0.0017%; no homozygotes.

Submission:

Labcorp Genetics (formerly Invitae), Labcorp
Classification: Uncertain significance for Fanconi anemia. Last evaluated: 2024-05-16. Review status: criteria provided, single submitter. Criteria: Invitae Variant Classification Sherloc (09022015). Collection method: clinical testing. Allele origin: germline.
Comment: This sequence change replaces glutamic acid, which is acidic and polar, with aspartic acid, which is acidic and polar, at codon 586 of the FANCI protein (p.Glu586Asp). This variant is present in population databases (rs763693040, gnomAD 0.003%). This variant has not been reported in the literature in individuals affected with FANCI-related conditions. Advanced modeling of protein sequence and biophysical properties (such as structural, functional, and spatial information, amino acid conservation, physicochemical variation, residue mobility, and thermodynamic stability) performed at Invitae indicates that this missense variant is expected to disrupt FANCI protein function with a positive predictive value of 80%. In summary, the available evidence is currently insufficient to determine the role of this variant in disease. Therefore, it has been classified as a Variant of Uncertain Significance.